The following is an entry in ClinVar:

ClinVar aggregate classification (germline): Uncertain significance. Review status: criteria provided, multiple submitters, no conflicts (2 of 4 stars). 2 submissions from 2 submitters: Uncertain significance (2). Last evaluated 2024-11-13.

Conditions:
Malignant hyperthermia, susceptibility to, 5 (MHS5). Also called: CACNA1S-Related Malignant Hyperthermia Susceptibility. Identifiers: Orphanet 423, MedGen C1866077, MONDO:0011163, OMIM 601887.

gnomAD v4.1: 2 of 1,614,076 alleles (0.00012%); highest among the groups gnomAD compares: Non-Finnish European, 0.00017%; no homozygotes.

Submissions (2):

Color Diagnostics, LLC DBA Color Health
Classification: Uncertain significance for Malignant hyperthermia, susceptibility to, 5. Last evaluated: 2024-11-13. Review status: criteria provided, single submitter. Criteria: ACMG Guidelines, 2015. Collection method: clinical testing. Allele origin: germline.
Comment: This missense variant replaces tyrosine with histidine at codon 621 of the CACNA1S protein. Computational prediction suggests that this variant may have deleterious impact on protein structure and function (internally defined REVEL score threshold >= 0.7, PMID: 27666373). To our knowledge, functional studies have not been reported for this variant. This variant has not been reported in individuals affected with CACNA1S-related disorders in the literature. This variant has not been identified in the general population by the Genome Aggregation Database (gnomAD). The available evidence is insufficient to determine the role of this variant in disease conclusively. Therefore, this variant is classified as a Variant of Uncertain Significance.

All of Us Research Program, National Institutes of Health
Classification: Uncertain significance for Malignant hyperthermia, susceptibility to, 5. Last evaluated: 2024-09-27. Review status: criteria provided, single submitter. Criteria: ACMG Guidelines, 2015. Collection method: clinical testing. Allele origin: germline. Inheritance: Autosomal dominant inheritance. Observed: 1 variant allele, 1 heterozygote.
Comment: This study involves interpretation of variants in research participants for the purpose of population health screening. Participant phenotype was not available at the time of variant classification. Additional details can be found in publication PMID: 35346344, PMCID: PMC8962531

NM_000069.3(CACNA1S):c.1861T>C (p.Tyr621His)

Gene: CACNA1S (calcium voltage-gated channel subunit alpha1 S; minus strand). Cytogenetic location: 1q32.1.
Variant type: single nucleotide variant.
Coding change: c.1861T>C on transcript NM_000069.3 (MANE Select); coding-DNA position 1861, T replaced by C.
Protein change: p.Tyr621His; replaces tyrosine 621 with histidine.
Molecular consequence: missense variant.
Genome position (GRCh38, 1-based): chr1:201,075,582, A>G on the plus strand (T>C on the coding strand, the complement: CACNA1S is on the minus strand). VCF-style: chr1-201075582-A-G. GRCh37 (hg19) VCF-style: chr1-201044710-A-G.
Other names: short protein forms Y621H.
Identifiers: ClinVar variation 3386369 (VCV003386369.2).